The following is an entry in ClinVar:

ClinVar aggregate classification (germline): Uncertain significance (1 of 4 stars; one submission).

Conditions:
Acrocapitofemoral dysplasia (ACFD). Identifiers: Orphanet 63446, MedGen C1843096, MONDO:0011907, OMIM 607778.
Brachydactyly type A1. Also called: SHORT STATURE WITH NONSPECIFIC SKELETAL ABNORMALITIES 2; FARABEE-TYPE BRACHYDACTYLY. Identifiers: Orphanet 93388, MedGen C1862151, MONDO:0007215, OMIM 112500, HP:0009371.

gnomAD v4.1: 1 of 1,607,730 alleles (0.000062%); highest among the groups gnomAD compares: South Asian, 0.0011%; no homozygotes.

Submission:

Juno Genomics, Hangzhou Juno Genomics, Inc
Classification: Uncertain significance for Acrocapitofemoral dysplasia; Brachydactyly type A1. Review status: criteria provided, single submitter. Criteria: ACMG Guidelines, 2015. Collection method: clinical testing. Allele origin: germline.
Comment: Absent from controls (or at extremely low frequency if recessive) in Genome Aggregation Database.;Multiple lines of computational evidence support a deleterious effect on the gene or gene product.

NM_002181.4(IHH):c.328C>G (p.Arg110Gly)

Gene: IHH (Indian hedgehog signaling molecule; minus strand). Cytogenetic location: 2q35.
Variant type: single nucleotide variant.
Coding change: c.328C>G on transcript NM_002181.4 (MANE Select); coding-DNA position 328, C replaced by G.
Protein change: p.Arg110Gly; replaces arginine 110 with glycine.
Molecular consequence: missense variant.
Genome position (GRCh38, 1-based): chr2:219,057,682, G>C on the plus strand (C>G on the coding strand, the complement: IHH is on the minus strand). VCF-style: chr2-219057682-G-C. GRCh37 (hg19) VCF-style: chr2-219922404-G-C.
Other names: short protein forms R110G.
Identifiers: ClinVar variation 5019584 (VCV005019584.2).